The following is an entry in ClinVar:

NM_033026.6(PCLO):c.4277C>T (p.Thr1426Ile)

Gene: PCLO (piccolo presynaptic cytomatrix protein; minus strand). Cytogenetic location: 7q21.11.
Variant type: single nucleotide variant.
Coding change: c.4277C>T on transcript NM_033026.6 (MANE Select); coding-DNA position 4277, C replaced by T.
Protein change: p.Thr1426Ile; replaces threonine 1426 with isoleucine.
Molecular consequence: missense variant.
Genome position (GRCh38, 1-based): chr7:82,956,676, G>A on the plus strand (C>T on the coding strand, the complement: PCLO is on the minus strand). VCF-style: chr7-82956676-G-A. GRCh37 (hg19) VCF-style: chr7-82585992-G-A.
Other names: c.4277C>T, p.Thr1426Ile (NM_014510.3); short protein forms T1426I.
Identifiers: ClinVar variation 2180481 (VCV002180481.3), dbSNP rs1181398413, ClinGen allele CA367928089.

ClinVar aggregate classification (germline): Uncertain significance (1 of 4 stars; one submission).

Allele frequency attached by ClinVar (database versions not stated): TOPMed below 0.00001; gnomAD exomes 0.00003.

Submission:

Labcorp Genetics (formerly Invitae), Labcorp
Classification: Uncertain significance. Last evaluated: 2024-04-17. Review status: criteria provided, single submitter. Criteria: Invitae Variant Classification Sherloc (09022015). Collection method: clinical testing. Allele origin: germline.
Comment: This sequence change replaces threonine, which is neutral and polar, with isoleucine, which is neutral and non-polar, at codon 1426 of the PCLO protein (p.Thr1426Ile). This variant is present in population databases (no rsID available, gnomAD 0.0009%). This variant has not been reported in the literature in individuals affected with PCLO-related conditions. ClinVar contains an entry for this variant (Variation ID: 2180481). Experimental studies and prediction algorithms are not available or were not evaluated, and the functional significance of this variant is currently unknown. In summary, the available evidence is currently insufficient to determine the role of this variant in disease. Therefore, it has been classified as a Variant of Uncertain Significance.